The following is an entry in ClinVar:

ClinVar aggregate classification (germline): Uncertain significance (1 of 4 stars; one submission).

Allele frequency attached by ClinVar (database versions not stated): gnomAD exomes below 0.00001; gnomAD 0.00004; TOPMed 0.00003.
gnomAD v4.1: 7 of 1,613,318 alleles (0.00043%); highest among the groups gnomAD compares: Admixed American, 0.012%; no homozygotes.

Submission:

Labcorp Genetics (formerly Invitae), Labcorp
Classification: Uncertain significance. Last evaluated: 2022-01-12. Review status: criteria provided, single submitter. Criteria: Invitae Variant Classification Sherloc (09022015). Collection method: clinical testing. Allele origin: germline.
Comment: This sequence change replaces leucine, which is neutral and non-polar, with phenylalanine, which is neutral and non-polar, at codon 713 of the TCIRG1 protein (p.Leu713Phe). This variant is present in population databases (no rsID available, gnomAD 0.003%). This variant has not been reported in the literature in individuals affected with TCIRG1-related conditions. Algorithms developed to predict the effect of missense changes on protein structure and function output the following: SIFT: "Tolerated"; PolyPhen-2: "Benign"; Align-GVGD: "Class C0". The phenylalanine amino acid residue is found in multiple mammalian species, which suggests that this missense change does not adversely affect protein function. In summary, the available evidence is currently insufficient to determine the role of this variant in disease. Therefore, it has been classified as a Variant of Uncertain Significance.

NM_006019.4(TCIRG1):c.2137C>T (p.Leu713Phe)

Gene: TCIRG1 (T cell immune regulator 1, ATPase H+ transporting V0 subunit a3; plus strand). Cytogenetic location: 11q13.2.
Variant type: single nucleotide variant.
Coding change: c.2137C>T on transcript NM_006019.4 (MANE Select); coding-DNA position 2137, C replaced by T.
Protein change: p.Leu713Phe; replaces leucine 713 with phenylalanine.
Molecular consequence: missense variant.
Genome position (GRCh38, 1-based): chr11:68,050,155, C>T. VCF-style: chr11-68050155-C-T. GRCh37 (hg19) VCF-style: chr11-67817622-C-T.
Other names: c.1243C>T, p.Leu415Phe (NM_001351059.2); c.1489C>T, p.Leu497Phe (NM_006053.4); short protein forms L415F, L497F, L713F.
Identifiers: ClinVar variation 1508962 (VCV001508962.5), dbSNP rs1440457949, ClinGen allele CA381590082.
Genomic context (GRCh38, chr11:68,050,155, plus strand): 5'-ACGGCTGAGGCCCTGCCGGCCCTCACTGCACCCGCCCCGCAGCTCGTCCCCTCCGAGGTG[C>T]TCATGCACCAGGCCATCCACACCATCGAGTTCTGCCTGGGCTGCGTCTCCAACACCGCCT-3'
Protein context (NP_006010.2, residues 703-723): EEAELVPSEV[Leu713Phe]MHQAIHTIEF